The following is an entry in ClinVar:

NM_001376.5(DYNC1H1):c.8476G>A (p.Ala2826Thr)

Gene: DYNC1H1 (dynein cytoplasmic 1 heavy chain 1; plus strand). Cytogenetic location: 14q32.31.
Variant type: single nucleotide variant.
Coding change: c.8476G>A on transcript NM_001376.5 (MANE Select); coding-DNA position 8476, G replaced by A.
Protein change: p.Ala2826Thr; replaces alanine 2826 with threonine.
Molecular consequence: missense variant.
Genome position (GRCh38, 1-based): chr14:102,020,025, G>A. VCF-style: chr14-102020025-G-A. GRCh37 (hg19) VCF-style: chr14-102486362-G-A.
Other names: short protein forms A2826T.
Identifiers: ClinVar variation 3250899 (VCV003250899.18), dbSNP rs2503781400.
Genomic context (GRCh38, chr14:102,020,025, plus strand): 5'-ATCTTTGAAGCGCTGAGACCTCTGGAGACCCTGCCTGTTGAAGGCCTCATTCGGATTTGG[G>A]CACATGAAGCTCTGCGTCTCTTCCAAGATAGGTAAGGGAAGCCGAGGATCCAGTTGGTCC-3'
Protein context (NP_001367.2, residues 2816-2836): LPVEGLIRIW[Ala2826Thr]HEALRLFQDR

ClinVar aggregate classification (germline): Uncertain significance (1 of 4 stars; one submission).

Submission:

CeGaT Center for Human Genetics Tuebingen
Classification: Uncertain significance. Last evaluated: 2024-06-01. Review status: criteria provided, single submitter. Criteria: CeGaT Center For Human Genetics Tuebingen Variant Classification Criteria Version 2. Collection method: clinical testing. Allele origin: germline. Affected: yes. Observed: 1 variant allele.
Comment: DYNC1H1: PM2, PP2